The following is an entry in ClinVar:

ClinVar aggregate classification (germline): Pathogenic (1 of 4 stars; one submission).

Conditions:
Intellectual developmental disorder, X-linked 1. Also called: Atkin Flaitz Patil Smith syndrome; Intellectual disability, X-linked 1; MENTAL RETARDATION, X-LINKED 18; MENTAL RETARDATION, X-LINKED 78. Identifiers: Orphanet 777, MedGen C2931498, MONDO:0010656, OMIM 309530.

Submission:

Labcorp Genetics (formerly Invitae), Labcorp
Classification: Pathogenic for Intellectual developmental disorder, X-linked 1. Last evaluated: 2021-08-08. Review status: criteria provided, single submitter. Criteria: Invitae Variant Classification Sherloc (09022015). Collection method: clinical testing. Allele origin: germline.
Comment: For these reasons, this variant has been classified as Pathogenic. This variant has not been reported in the literature in individuals affected with IQSEC2-related conditions. This variant is not present in population databases (ExAC no frequency). This sequence change creates a premature translational stop signal (p.Glu794*) in the IQSEC2 gene. It is expected to result in an absent or disrupted protein product. Loss-of-function variants in IQSEC2 are known to be pathogenic (PMID: 21686261, 26793055, 27665735).

Literature cited by the submitters: PubMed 21686261; PubMed 26793055; PubMed 27665735.

NM_001111125.3(IQSEC2):c.2380G>T (p.Glu794Ter)

Gene: IQSEC2 (IQ motif and Sec7 domain ArfGEF 2; minus strand). Cytogenetic location: Xp11.22.
Variant type: single nucleotide variant.
Coding change: c.2380G>T on transcript NM_001111125.3 (MANE Select); coding-DNA position 2380, G replaced by T.
Protein change: p.Glu794Ter; replaces glutamic acid 794 with a stop codon.
Molecular consequence: nonsense.
Genome position (GRCh38, 1-based): chrX:53,248,800, C>A on the plus strand (G>T on the coding strand, the complement: IQSEC2 is on the minus strand). VCF-style: chrX-53248800-C-A. GRCh37 (hg19) VCF-style: chrX-53277982-C-A.
Other names: c.1765G>T, p.Glu589Ter (NM_015075.2); short protein forms E794*, E589*.
Identifiers: ClinVar variation 1406772 (VCV001406772.6), dbSNP rs1569300687, ClinGen allele CA413158248.